The following is an entry in ClinVar:

NM_001128205.2(SULF1):c.489C>G (p.Ile163Met)

Gene: SULF1 (sulfatase 1; plus strand). Cytogenetic location: 8q13.2.
Variant type: single nucleotide variant.
Coding change: c.489C>G on transcript NM_001128205.2 (MANE Select); coding-DNA position 489, C replaced by G.
Protein change: p.Ile163Met; replaces isoleucine 163 with methionine.
Molecular consequence: missense variant. On other transcripts: non-coding transcript variant (2).
Genome position (GRCh38, 1-based): chr8:69,586,433, C>G. VCF-style: chr8-69586433-C-G. GRCh37 (hg19) VCF-style: chr8-70498668-C-G.
Other names: c.489C>G, p.Ile163Met (NM_001128204.2, NM_001128206.2, NM_015170.3); c.489C>G (NM_001128205.1); short protein forms I163M.
Identifiers: ClinVar variation 1461433 (VCV001461433.9), dbSNP rs199957740, ClinGen allele CA4775593.

ClinVar aggregate classification (germline): Uncertain significance. Review status: criteria provided, multiple submitters, no conflicts (2 of 4 stars). 2 submissions from 2 submitters: Uncertain significance (2). Last evaluated 2025-01-08.

Allele frequency attached by ClinVar (database versions not stated): gnomAD 0.00001; gnomAD exomes 0.00001 and 0.00002; TOPMed 0.00001; ExAC 0.00002; 1000 Genomes Project 30x 0.00016; 1000 Genomes Project 0.00020.
gnomAD v4.1: 16 of 1,611,708 alleles (0.00099%); highest among the groups gnomAD compares: Admixed American, 0.01%; no homozygotes.

Submissions (2):

Ambry Genetics
Classification: Uncertain significance. Last evaluated: 2025-01-08. Review status: criteria provided, single submitter. Criteria: Ambry Variant Classification Scheme 2023. Collection method: clinical testing. Allele origin: germline.

Labcorp Genetics (formerly Invitae), Labcorp
Classification: Uncertain significance. Last evaluated: 2022-06-28. Review status: criteria provided, single submitter. Criteria: Invitae Variant Classification Sherloc (09022015). Collection method: clinical testing. Allele origin: germline.
Comment: This variant has not been reported in the literature in individuals affected with SULF1-related conditions. This variant is present in population databases (rs199957740, gnomAD 0.01%). This sequence change replaces isoleucine, which is neutral and non-polar, with methionine, which is neutral and non-polar, at codon 163 of the SULF1 protein (p.Ile163Met). Algorithms developed to predict the effect of missense changes on protein structure and function are either unavailable or do not agree on the potential impact of this missense change (SIFT: "Deleterious"; PolyPhen-2: "Possibly Damaging"; Align-GVGD: "Class C0"). In summary, the available evidence is currently insufficient to determine the role of this variant in disease. Therefore, it has been classified as a Variant of Uncertain Significance.